The following is an entry in ClinVar:

NM_001844.5(COL2A1):c.1117_1118del (p.Ala373fs)

Gene: COL2A1 (collagen type II alpha 1 chain; minus strand). Cytogenetic location: 12q13.11.
Variant type: Deletion.
Coding change: c.1117_1118del on transcript NM_001844.5 (MANE Select); coding-DNA positions 1117 to 1118, 2 bases deleted (GC; older notation c.1117_1118delGC).
Protein change: p.Ala373fs; shifts the reading frame from alanine 373.
Molecular consequence: frameshift variant.
Genome position (GRCh38, 1-based): chr12:47,989,232-47,989,233, GC deleted on the plus strand (GC on the coding strand, the reverse complement: COL2A1 is on the minus strand). VCF-style (leftmost placement, unchanged base first): chr12-47989231-GGC-G. GRCh37 (hg19) VCF-style: chr12-48383014-GGC-G.
Other names: c.910_911del, p.Ala304fs (NM_033150.3); short protein forms A304fs, A373fs.
Identifiers: ClinVar variation 2748868 (VCV002748868.3), dbSNP rs2540157346, ClinGen allele CA2697559227.

ClinVar aggregate classification (germline): Pathogenic (1 of 4 stars; one submission).

Submission:

Labcorp Genetics (formerly Invitae), Labcorp
Classification: Pathogenic. Last evaluated: 2023-05-29. Review status: criteria provided, single submitter. Criteria: Invitae Variant Classification Sherloc (09022015). Collection method: clinical testing. Allele origin: germline.
Comment: This variant has not been reported in the literature in individuals affected with COL2A1-related conditions. For these reasons, this variant has been classified as Pathogenic. This variant is not present in population databases (gnomAD no frequency). This sequence change creates a premature translational stop signal (p.Ala373Glnfs*3) in the COL2A1 gene. It is expected to result in an absent or disrupted protein product. Loss-of-function variants in COL2A1 are known to be pathogenic (PMID: 20179744).

Literature cited by the submitters: PubMed 20179744.